The following is an entry in ClinVar:

ClinVar aggregate classification (germline): Uncertain significance (1 of 4 stars; one submission).

Conditions:
Inflammatory bowel disease 28. Also called: Inflammatory bowel disease 28, early onset, autosomal recessive. Identifiers: Orphanet 238569, MedGen C2751053, MONDO:0013153, OMIM 613148.

gnomAD v4.1: 8 of 1,614,054 alleles (0.0005%); highest among the groups gnomAD compares: East Asian, 0.0022%; no homozygotes.

Submission:

Labcorp Genetics (formerly Invitae), Labcorp
Classification: Uncertain significance for Inflammatory bowel disease 28. Last evaluated: 2024-06-20. Review status: criteria provided, single submitter. Criteria: Invitae Variant Classification Sherloc (09022015). Collection method: clinical testing. Allele origin: germline.
Comment: This sequence change affects codon 304 of the IL10RA mRNA. It is a 'silent' change, meaning that it does not change the encoded amino acid sequence of the IL10RA protein. The frequency data for this variant in the population databases is considered unreliable, as metrics indicate poor data quality at this position in the gnomAD database. This variant has not been reported in the literature in individuals affected with IL10RA-related conditions. Algorithms developed to predict the effect of sequence changes on RNA splicing suggest that this variant may create or strengthen a splice site. In summary, the available evidence is currently insufficient to determine the role of this variant in disease. Therefore, it has been classified as a Variant of Uncertain Significance.

NM_001558.4(IL10RA):c.912G>A (p.Val304=)

Gene: IL10RA (interleukin 10 receptor subunit alpha; plus strand). Cytogenetic location: 11q23.3.
Variant type: single nucleotide variant.
Coding change: c.912G>A on transcript NM_001558.4 (MANE Select); coding-DNA position 912, G replaced by A.
Protein change: p.Val304=; no amino-acid change (valine 304 retained).
Molecular consequence: synonymous variant. On other transcripts: non-coding transcript variant (1).
Genome position (GRCh38, 1-based): chr11:117,998,816, G>A. VCF-style: chr11-117998816-G-A. GRCh37 (hg19) VCF-style: chr11-117869531-G-A.
Identifiers: ClinVar variation 3668264 (VCV003668264.1).